The following is an entry in ClinVar:

ClinVar aggregate classification (germline): Uncertain significance (1 of 4 stars; one submission).

Submission:

Labcorp Genetics (formerly Invitae), Labcorp
Classification: Uncertain significance. Last evaluated: 2024-12-25. Review status: criteria provided, single submitter. Criteria: Invitae Variant Classification Sherloc (09022015). Collection method: clinical testing. Allele origin: germline.
Comment: This sequence change replaces lysine, which is basic and polar, with asparagine, which is neutral and polar, at codon 371 of the FH protein (p.Lys371Asn). This variant is not present in population databases (gnomAD no frequency). This variant has not been reported in the literature in individuals affected with FH-related conditions. Invitae Evidence Modeling of protein sequence and biophysical properties (such as structural, functional, and spatial information, amino acid conservation, physicochemical variation, residue mobility, and thermodynamic stability) indicates that this missense variant is expected to disrupt FH protein function with a positive predictive value of 95%. In summary, the available evidence is currently insufficient to determine the role of this variant in disease. Therefore, it has been classified as a Variant of Uncertain Significance.

NM_000143.4(FH):c.1113G>C (p.Lys371Asn)

Gene: FH (fumarate hydratase; minus strand). Cytogenetic location: 1q43.
Variant type: single nucleotide variant.
Coding change: c.1113G>C on transcript NM_000143.4 (MANE Select); coding-DNA position 1113, G replaced by C.
Protein change: p.Lys371Asn; replaces lysine 371 with asparagine.
Molecular consequence: missense variant.
Genome position (GRCh38, 1-based): chr1:241,502,566, C>G on the plus strand (G>C on the coding strand, the complement: FH is on the minus strand). VCF-style: chr1-241502566-C-G. GRCh37 (hg19) VCF-style: chr1-241665866-C-G.
Other names: short protein forms K371N.
Identifiers: ClinVar variation 3719055 (VCV003719055.2).